The following is an entry in ClinVar:

ClinVar aggregate classification (germline): Uncertain significance. Review status: criteria provided, single submitter (1 of 4 stars). 3 submissions from 3 submitters: Uncertain significance (1). 2 of the submissions do not count toward it. Last evaluated 2025-04-10.

Conditions:
Familial thoracic aortic aneurysm and aortic dissection (TAAD). Also called: Thoracic aortic aneurysms and dissections. Identifiers: Orphanet 91387, MedGen C4707243, MONDO:0019625.

Allele frequency attached by ClinVar (database versions not stated): gnomAD exomes below 0.00001.
gnomAD v4.1: 1 of 1,613,508 alleles (0.000062%); highest among the groups gnomAD compares: Non-Finnish European, 0.000085%; no homozygotes.

Submissions (3):

Ambry Genetics
Classification: Uncertain significance for Familial thoracic aortic aneurysm and aortic dissection. Last evaluated: 2025-04-10. Review status: criteria provided, single submitter. Criteria: Ambry Variant Classification Scheme 2023. Collection method: clinical testing. Allele origin: germline.
Comment: The p.T609S variant (also known as c.1826C>G), located in coding exon 13 of the FBN2 gene, results from a C to G substitution at nucleotide position 1826. The threonine at codon 609 is replaced by serine, an amino acid with similar properties. This variant has been reported in a mitral valve prolapse cohort (van Wijngaarden AL et al. J Med Genet, 2020 Dec;57:843-850). This amino acid position is well conserved in available vertebrate species. In addition, the in silico prediction for this alteration is inconclusive. Based on the available evidence, the clinical significance of this variant remains unclear.

Genome Diagnostics Laboratory, University Medical Center Utrecht
Classification: Uncertain significance. Review status: no assertion criteria provided. Collection method: clinical testing. Allele origin: germline. Affected: yes. Study: VKGL Data-share Consensus. Not counted in ClinVar's aggregate classification.

Laboratory of Diagnostic Genome Analysis, Leiden University Medical Center (LUMC)
Classification: Uncertain significance. Review status: no assertion criteria provided. Collection method: clinical testing. Allele origin: germline. Affected: yes. Study: VKGL Data-share Consensus. Not counted in ClinVar's aggregate classification.

Literature cited by the submitters: PubMed 32277046 (cited by Ambry Genetics).

NM_001999.4(FBN2):c.1826C>G (p.Thr609Ser)

Gene: FBN2 (fibrillin 2; minus strand). Cytogenetic location: 5q23.3.
Variant type: single nucleotide variant.
Coding change: c.1826C>G on transcript NM_001999.4 (MANE Select); coding-DNA position 1826, C replaced by G.
Protein change: p.Thr609Ser; replaces threonine 609 with serine.
Molecular consequence: missense variant.
Genome position (GRCh38, 1-based): chr5:128,377,775, G>C on the plus strand (C>G on the coding strand, the complement: FBN2 is on the minus strand). VCF-style: chr5-128377775-G-C. GRCh37 (hg19) VCF-style: chr5-127713468-G-C.
Other names: c.1826C>G (NM_001999.3); short protein forms T609S.
Identifiers: ClinVar variation 1205896 (VCV001205896.3), dbSNP rs2126958666, ClinGen allele CA360742446.